The following is an entry in ClinVar:

NM_022773.4(LMF1):c.1222G>A (p.Ala408Thr)

Gene: LMF1 (lipase maturation factor 1; minus strand). Cytogenetic location: 16p13.3.
Variant type: single nucleotide variant.
Coding change: c.1222G>A on transcript NM_022773.4 (MANE Select); coding-DNA position 1222, G replaced by A.
Protein change: p.Ala408Thr; replaces alanine 408 with threonine.
Molecular consequence: missense variant. On other transcripts: non-coding transcript variant (1).
Genome position (GRCh38, 1-based): chr16:870,739, C>T on the plus strand (G>A on the coding strand, the complement: LMF1 is on the minus strand). VCF-style: chr16-870739-C-T. GRCh37 (hg19) VCF-style: chr16-920739-C-T.
Other names: c.571G>A, p.Ala191Thr (NM_001352017.2, NM_001352021.2); c.823G>A, p.Ala275Thr (NM_001352018.2); c.895G>A, p.Ala299Thr (NM_001352019.2); c.1222G>A, p.Ala408Thr (NM_001352020.1); short protein forms A275T, A191T, A299T, A408T.
Identifiers: ClinVar variation 3290912 (VCV003290912.1).

ClinVar aggregate classification (germline): Uncertain significance (1 of 4 stars; one submission).

Conditions:
Cardiovascular phenotype. Identifiers: MedGen CN230736.

gnomAD v4.1: 1 of 1,612,742 alleles (0.000062%); highest among the groups gnomAD compares: African/African-American, 0.0013%; no homozygotes.

Submission:

Ambry Genetics
Classification: Uncertain significance for Cardiovascular phenotype. Last evaluated: 2024-04-25. Review status: criteria provided, single submitter. Criteria: Ambry Variant Classification Scheme 2023. Collection method: clinical testing. Allele origin: germline.
Comment: The p.A408T variant (also known as c.1222G>A), located in coding exon 8 of the LMF1 gene, results from a G to A substitution at nucleotide position 1222. The alanine at codon 408 is replaced by threonine, an amino acid with similar properties. This amino acid position is conserved. In addition, the in silico prediction for this alteration is inconclusive. Based on the available evidence, the clinical significance of this variant remains unclear.